The following is an entry in ClinVar:

ClinVar aggregate classification (germline): Pathogenic. Review status: criteria provided, multiple submitters, no conflicts (2 of 4 stars). 5 submissions from 5 submitters: Pathogenic (3). 2 of the submissions do not count toward it. Last evaluated 2023-01-01.

Conditions:
Autosomal dominant Robinow syndrome 2. Identifiers: Orphanet 3107, Orphanet 97360, MedGen C4225363, MONDO:0014591, OMIM 616331.
Autosomal dominant omodysplasia. Identifiers: Orphanet 2733, Orphanet 93328, MedGen C2750355, MONDO:0008123, OMIM 164745.
Autosomal dominant Robinow syndrome 1. Also called: FETAL FACE SYNDROME; ROBINOW DWARFISM; ACRAL DYSOSTOSIS WITH FACIAL AND GENITAL ABNORMALITIES; Covesdem syndrome (formerly); Costovertebral segmentation defect with mesomelia (formerly); WNT5A-Related Robinow Syndrome, Autosomal Dominant. Identifiers: Orphanet 3107, Orphanet 97360, MedGen C4551475, MONDO:0024455, OMIM 180700.

Submissions (5):

Labcorp Genetics (formerly Invitae), Labcorp
Classification: Pathogenic. Last evaluated: 2023-01-01. Review status: criteria provided, single submitter. Criteria: Invitae Variant Classification Sherloc (09022015). Collection method: clinical testing. Allele origin: germline.
Comment: Experimental studies have shown that this premature translational stop signal affects FZD2 function (PMID: 25759469). For these reasons, this variant has been classified as Pathogenic. Algorithms developed to predict the effect of variants on protein structure and function are not available or were not evaluated for this variant. ClinVar contains an entry for this variant (Variation ID: 617609). This premature translational stop signal has been observed in individual(s) with clinical features of Robinow syndrome (PMID: 24458798, 25759469, 30455931, 35047859). In at least one individual the variant was observed to be de novo. It has also been observed to segregate with disease in related individuals. This variant is not present in population databases (gnomAD no frequency). This sequence change creates a premature translational stop signal (p.Trp548*) in the FZD2 gene. While this is not anticipated to result in nonsense mediated decay, it is expected to disrupt the last 18 amino acid(s) of the FZD2 protein.

Victorian Clinical Genetics Services, Murdoch Childrens Research Institute
Classification: Pathogenic for Autosomal dominant omodysplasia. Last evaluated: 2022-02-02. Review status: criteria provided, single submitter. Criteria: ACMG Guidelines, 2015. Collection method: clinical testing. Allele origin: germline. Inheritance: Autosomal dominant inheritance. Affected: yes.
Comment: Based on the classification scheme VCGS_Germline_v1.3.4, this variant is classified as Pathogenic. Following criteria are met: 0102 - Loss of function is a known mechanism of disease in this gene and is associated with omodysplasia 2 (MIM#164745). However, dominant negative has not been excluded as the mechanism of disease (PMID: 25759469). (I) 0107 - This gene is associated with autosomal dominant disease. (I) 0205 - Variant is predicted to result in a truncated protein (premature termination codon is NOT located at least 54 nucleotides upstream of the final exon-exon junction) with less than 1/3 of the protein sequence affected. (SP) 0251 - This variant is heterozygous. (I) 0301 - Variant is absent from gnomAD (both v2 and v3). (SP) 0600 - Variant is located in the annotated Frizzled family membrane region (DECIPHER). (SP) 0705 - No comparable downstream truncating variants have previous evidence for pathogenicity. (I) 0802 - This variant has moderate previous evidence of pathogenicity in unrelated individuals. This variant has been seen in three individuals with omodysplasia, including in one confirmed de novo case where the variant also segregates in the proband's affected daughter (ClinVar, PMID: 25759469, 30455931). (SP) 1002 - This variant has moderate functional evidence supporting abnormal protein function. Functional analysis in HEK293T cells showed variant FZD2 protein had significantly reduced colocalization with DVL. Variant FZD2 protein also showed no notable increase in WNT activity over background levels compared to a 3-fold increase with wild type FZD2 (PMID: 25759469). (SP) 1208 - Inheritance information for this variant is not currently available in this individual. (I) Legend: (SP) - Supporting pathogenic, (I) - Information, (SB) - Supporting benign

Mendelics
Classification: Pathogenic for Autosomal dominant Robinow syndrome 2. Last evaluated: 2019-05-28. Review status: criteria provided, single submitter. Criteria: Mendelics Assertion Criteria 2017. Collection method: clinical testing. Allele origin: unknown.

OMIM
Classification: Pathogenic for OMODYSPLASIA 2. Last evaluated: 2025-10-29. Review status: no assertion criteria provided. Collection method: literature only. Allele origin: germline. Not counted in ClinVar's aggregate classification.

Lupski Lab, Baylor-Hopkins CMG, Baylor College of Medicine
Classification: Pathogenic for Autosomal dominant Robinow syndrome 1. Last evaluated: 2018-07-01. Review status: no assertion criteria provided. Collection method: research. Allele origin: unknown. Affected: yes. Observed: 3 variant alleles. Clinical features observed: Robinow syndrome. Not counted in ClinVar's aggregate classification.

Literature cited by the submitters: PubMed 25759469 (cited by 3 submitters); PubMed 24458798 (cited by Labcorp Genetics (formerly Invitae), Labcorp); PubMed 30455931 (cited by Labcorp Genetics (formerly Invitae), Labcorp and Victorian Clinical Genetics Services, Murdoch Childrens Research Institute); PubMed 35047859 (cited by Labcorp Genetics (formerly Invitae), Labcorp).

NM_001466.4(FZD2):c.1644G>A (p.Trp548Ter)

Gene: FZD2 (frizzled class receptor 2; plus strand). Cytogenetic location: 17q21.31.
Variant type: single nucleotide variant.
Coding change: c.1644G>A on transcript NM_001466.4 (MANE Select); coding-DNA position 1644, G replaced by A.
Protein change: p.Trp548Ter; replaces tryptophan 548 with a stop codon.
Genome position (GRCh38, 1-based): chr17:44,559,332, G>A. VCF-style: chr17-44559332-G-A. GRCh37 (hg19) VCF-style: chr17-42636700-G-A.
Other names: short protein forms W548*.
Identifiers: ClinVar variation 617609 (VCV000617609.9), dbSNP rs1568105666, ClinGen allele CA399800526.